The following is an entry in ClinVar:

ClinVar aggregate classification (germline): Uncertain significance (1 of 4 stars; one submission).

Allele frequency attached by ClinVar (database versions not stated): gnomAD 0.00001; TOPMed 0.00002.
gnomAD v4.1: 15 of 1,558,682 alleles (0.00096%); highest among the groups gnomAD compares: Non-Finnish European, 0.0012%; no homozygotes.

Submission:

Labcorp Genetics (formerly Invitae), Labcorp
Classification: Uncertain significance. Last evaluated: 2023-06-09. Review status: criteria provided, single submitter. Criteria: Invitae Variant Classification Sherloc (09022015). Collection method: clinical testing. Allele origin: germline.
Comment: In summary, the available evidence is currently insufficient to determine the role of this variant in disease. Therefore, it has been classified as a Variant of Uncertain Significance. An algorithm developed to predict the effect of missense changes on protein structure and function (PolyPhen-2) suggests that this variant is likely to be tolerated. This variant has not been reported in the literature in individuals affected with RARS-related conditions. The frequency data for this variant in the population databases is considered unreliable, as metrics indicate poor data quality at this position in the gnomAD database. This sequence change replaces alanine, which is neutral and non-polar, with valine, which is neutral and non-polar, at codon 10 of the RARS protein (p.Ala10Val).

NM_002887.4(RARS1):c.29C>T (p.Ala10Val)

Gene: RARS1 (arginyl-tRNA synthetase 1; plus strand). Cytogenetic location: 5q34.
Variant type: single nucleotide variant.
Coding change: c.29C>T on transcript NM_002887.4 (MANE Select); coding-DNA position 29, C replaced by T.
Protein change: p.Ala10Val; replaces alanine 10 with valine.
Molecular consequence: missense variant.
Genome position (GRCh38, 1-based): chr5:168,486,527, C>T. VCF-style: chr5-168486527-C-T. GRCh37 (hg19) VCF-style: chr5-167913532-C-T.
Other names: short protein forms A10V.
Identifiers: ClinVar variation 2730168 (VCV002730168.3), dbSNP rs1341221155, ClinGen allele CA362077124.